The following is an entry in ClinVar:

NM_006345.4(SLC30A9):c.947G>A (p.Gly316Asp)

Gene: SLC30A9 (solute carrier family 30 member 9; plus strand). Cytogenetic location: 4p13.
Variant type: single nucleotide variant.
Coding change: c.947G>A on transcript NM_006345.4 (MANE Select); coding-DNA position 947, G replaced by A.
Protein change: p.Gly316Asp; replaces glycine 316 with aspartic acid.
Molecular consequence: missense variant.
Genome position (GRCh38, 1-based): chr4:42,063,036, G>A. VCF-style: chr4-42063036-G-A. GRCh37 (hg19) VCF-style: chr4-42065053-G-A.
Other names: short protein forms G316D.
Identifiers: ClinVar variation 1878602 (VCV001878602.1), dbSNP rs1717929006, ClinGen allele CA356747794.

ClinVar aggregate classification (germline): Uncertain significance (1 of 4 stars; one submission).

Conditions:
Psychomotor regression-oculomotor apraxia-movement disorder-nephropathy syndrome (BILAPES). Also called: Birk-Landau-Perez syndrome. Identifiers: Orphanet 505242, MedGen C4539828, MONDO:0044726, OMIM 617595.

Submission:

Neuberg Centre For Genomic Medicine, NCGM
Classification: Uncertain significance for Psychomotor regression-oculomotor apraxia-movement disorder-nephropathy syndrome. Review status: criteria provided, single submitter. Criteria: ACMG Guidelines, 2015. Collection method: clinical testing. Allele origin: germline. Affected: yes.
Comment: The missense variant in c.947G>A(p.Gly316Asp) in SLC30A9 gene has not been reported previously as a pathogenic variant nor as a benign variant, to our knowledge. The p.Gly316Asp variant is novel (not in any individuals) in gnomAD Exomes and 1000 Genomes. The amino acid Gly at position 316 is changed to a Asp changing protein sequence and it might alter its composition and physico-chemical properties. The variant is predicted to be damaging by both SIFT and PolyPhen2. The residue is conserved across species. The amino acid change p.Gly316Asp in SLC30A9 is predicted as conserved by GERP++ and PhyloP across 100 vertebrates. For these reasons, this variant has been classified as Uncertain Significance.